The following is an entry in ClinVar:

NM_004863.4(SPTLC2):c.1295C>T (p.Thr432Ile)

Gene: SPTLC2 (serine palmitoyltransferase long chain base subunit 2; minus strand). Cytogenetic location: 14q24.3.
Variant type: single nucleotide variant.
Coding change: c.1295C>T on transcript NM_004863.4 (MANE Select); coding-DNA position 1295, C replaced by T.
Protein change: p.Thr432Ile; replaces threonine 432 with isoleucine.
Molecular consequence: missense variant.
Genome position (GRCh38, 1-based): chr14:77,552,104, G>A on the plus strand (C>T on the coding strand, the complement: SPTLC2 is on the minus strand). VCF-style: chr14-77552104-G-A. GRCh37 (hg19) VCF-style: chr14-78018447-G-A.
Other names: short protein forms T432I.
Identifiers: ClinVar variation 1769190 (VCV001769190.2), dbSNP rs867249067, ClinGen allele CA390706847.

ClinVar aggregate classification (germline): Uncertain significance (1 of 4 stars; one submission).

Conditions:
Inborn genetic diseases. Identifiers: MedGen C0950123, MeSH D030342.

gnomAD v4.1: 3 of 1,614,114 alleles (0.00019%); highest among the groups gnomAD compares: African/African-American, 0.0013%; no homozygotes.

Submission:

Ambry Genetics
Classification: Uncertain significance for Inborn genetic diseases. Last evaluated: 2022-02-11. Review status: criteria provided, single submitter. Criteria: Ambry Variant Classification Scheme 2023. Collection method: clinical testing. Allele origin: germline.
Comment: The p.T432I variant (also known as c.1295C>T), located in coding exon 9 of the SPTLC2 gene, results from a C to T substitution at nucleotide position 1295. The threonine at codon 432 is replaced by isoleucine, an amino acid with similar properties. This amino acid position is conserved. In addition, this alteration is predicted to be deleterious by in silico analysis. Since supporting evidence is limited at this time, the clinical significance of this alteration remains unclear.